The following is an entry in ClinVar:

ClinVar aggregate classification (germline): Uncertain significance (1 of 4 stars; one submission).

Conditions:
Duchenne muscular dystrophy (DMD). Also called: Duchenne Muscular Dystrophy (DMD); MUSCULAR DYSTROPHY, PSEUDOHYPERTROPHIC PROGRESSIVE, DUCHENNE TYPE. Identifiers: Orphanet 98896, MedGen C0013264, MONDO:0010679, OMIM 310200.

Submission:

Labcorp Genetics (formerly Invitae), Labcorp
Classification: Uncertain significance for Duchenne muscular dystrophy. Last evaluated: 2016-01-06. Review status: criteria provided, single submitter. Criteria: Invitae Variant Classification Sherloc (09022015). Collection method: clinical testing. Allele origin: germline.
Comment: A gross duplication of the genomic region encompassing the full coding sequence of the DMD gene has been identified. This gross duplication is not present in population databases. A similar DMD whole gene duplication has been reported in the literature in an individual affected with Duchenne muscular dystrophy and mild intelectual disability (PMID: 22796527). In summary, this is a whole gene duplication with uncertain impact on protein function. It has been classified as a Variant of Uncertain Significance.

NC_000023.10:g.(?_31191650)_(33229435_?)dup

Genes: MIR3915 (microRNA 3915; minus strand), MIR548F5 (microRNA 548f-5; minus strand), DMD (dystrophin; minus strand), LOC130068089 (ATAC-STARR-seq lymphoblastoid active region 29516; plus strand), LOC130068086 (ATAC-STARR-seq lymphoblastoid silent region 20729; plus strand) and 8 more. Cytogenetic location: Xp21.2-21.1.
Variant type: Duplication.
Identifiers: ClinVar variation 267325 (VCV000267325.1).